The following is an entry in ClinVar:

GRCh38/hg38 15q13.2-13.3(chr15:30438310-32569425)x3

Genes: ARHGAP11B (Rho GTPase activating protein 11B), ARHGAP11B-DT (ARHGAP11B divergent transcript), CHRNA7 (cholinergic receptor nicotinic alpha 7 subunit), FAN1 (FANCD2 and FANCI associated nuclease 1; plus strand), GOLGA8H (golgin A8 family member H) and 33 more. Cytogenetic location: 15q13.2-13.3.
Variant type: copy number gain.
Change: copy number 3 (three copies instead of two) of chr15:30,438,310-32,569,425 (2.13 Mb, GRCh38 coordinates, 1-based), cytogenetic band 15q13.2-13.3.
Identifiers: ClinVar variation 33394 (VCV000033394.3).

ClinVar aggregate classification (germline): conflicting data from submitters (0 of 4 stars; one submission).

Submission:

ISCA site 1
Classification: conflicting data from submitters. Last evaluated: 2011-10-07. Review status: no assertion criteria provided. Collection method: clinical testing. Allele origin: paternal, unknown. Affected: yes. Observed: 3 variant alleles. Clinical features observed: Developmental delay AND/OR other significant developmental or morphological phenotypes, Hypertonia (HP:0001276).
Comment: Pathogenic(1), Uncertain significance(2)

Copy number variation identified through the course of routine clinical cytogenomic testing in postnatal populations, with clinical assertions as classified by the original submitter. For data from the original published study, Kaminsky, et al. 2011 (PubMed 21844811), please see nstd101.